The following is an entry in ClinVar:

NM_024824.5(ZC3H14):c.1929T>C (p.Tyr643=)

Gene: ZC3H14 (zinc finger CCCH-type containing 14; plus strand). Cytogenetic location: 14q31.3.
Variant type: single nucleotide variant.
Coding change: c.1929T>C on transcript NM_024824.5 (MANE Select); coding-DNA position 1929, T replaced by C.
Protein change: p.Tyr643=; no amino-acid change (tyrosine 643 retained).
Molecular consequence: synonymous variant. On other transcripts: non-coding transcript variant (1).
Genome position (GRCh38, 1-based): chr14:88,609,327, T>C. VCF-style: chr14-88609327-T-C. GRCh37 (hg19) VCF-style: chr14-89075671-T-C.
Other names: c.1359T>C, p.Tyr453= (NM_001326303.2); c.1071T>C, p.Tyr357= (NM_001326304.2, NM_001326308.2); c.1389T>C, p.Tyr463= (NM_001326305.2, NM_001326314.2); c.1305T>C, p.Tyr435= (NM_001326306.2, NM_001326313.2); c.1854T>C, p.Tyr618= (NM_001326307.2, NM_001326296.2); c.996T>C, p.Tyr332= (NM_001326309.2, NM_001326311.2); c.1914T>C, p.Tyr638= (NM_001326310.2, NM_001160104.2); c.1839T>C, p.Tyr613= (NM_001326312.2, NM_001326299.2); and 8 more.
Identifiers: ClinVar variation 2644439 (VCV002644439.24), dbSNP rs375580594, ClinGen allele CA7300696.

ClinVar aggregate classification (germline): Likely benign (1 of 4 stars; one submission).

Allele frequency attached by ClinVar (database versions not stated): gnomAD 0.00003; TOPMed 0.00003; ExAC 0.00004; gnomAD exomes 0.00004; ESP Exome Variant Server 0.00008.
gnomAD v4.1: 65 of 1,613,960 alleles (0.004%); highest among the groups gnomAD compares: Middle Eastern, 0.049%; no homozygotes.

Submission:

CeGaT Center for Human Genetics Tuebingen
Classification: Likely benign. Last evaluated: 2023-06-01. Review status: criteria provided, single submitter. Criteria: CeGaT Center For Human Genetics Tuebingen Variant Classification Criteria Version 2. Collection method: clinical testing. Allele origin: germline. Affected: yes. Observed: 1 variant allele.
Comment: ZC3H14: BP4, BP7